The following is an entry in ClinVar:

ClinVar aggregate classification (germline): Pathogenic. Review status: criteria provided, multiple submitters, no conflicts (2 of 4 stars). 6 submissions from 6 submitters: Pathogenic (6). Last evaluated 2025-10-03.

Conditions:
Autosomal recessive polycystic kidney disease (ARPKD). Also called: AR polycystic kidney disease. Identifiers: Orphanet 731, Orphanet 8378, MedGen C0085548, MeSH D017044, MONDO:0009889.
Polycystic kidney disease 4 (PKD4). Also called: POLYCYSTIC KIDNEY AND HEPATIC DISEASE 1; POLYCYSTIC KIDNEY DISEASE, INFANTILE, TYPE I; POLYCYSTIC KIDNEY DISEASE 4 WITH OR WITHOUT POLYCYSTIC LIVER DISEASE; Autosomal Recessive Polycystic Kidney Disease – PKHD1; PKD3. Identifiers: MedGen C4540575, MONDO:0033004, OMIM 263200.
PKHD1-related disorder. Also called: PKHD1-related condition.

Submissions (6):

Natera, Inc.
Classification: Pathogenic for Autosomal recessive polycystic kidney disease. Last evaluated: 2025-10-03. Review status: criteria provided, single submitter. Criteria: Natera Variant Classification Schema (03/2026). Collection method: clinical testing. Allele origin: germline.
Comment: The c.1626_1629delACTT variant in PKHD1 is a frameshift variant predicted to shift the reading frame beginning at codon 543 and leads to a stop codon 2 codons downstream. This variant is expected to result in nonsense mediated decay, truncation, or a dysfunctional protein product. This variant is rare in the general population with a frequency below the threshold expected for the associated phenotype(s). This variant has been observed in one or more individuals affected with the associated recessive disease, as either homozygous or compound heterozygous with a second variant (PMID: 19914852). Given the available evidence, this variant is classified as Pathogenic.

Labcorp Genetics (formerly Invitae), Labcorp
Classification: Pathogenic for Autosomal recessive polycystic kidney disease. Last evaluated: 2025-04-09. Review status: criteria provided, single submitter. Criteria: Invitae Variant Classification Sherloc (09022015). Collection method: clinical testing. Allele origin: germline.
Comment: This sequence change creates a premature translational stop signal (p.Leu543Glnfs*2) in the PKHD1 gene. It is expected to result in an absent or disrupted protein product. Loss-of-function variants in PKHD1 are known to be pathogenic (PMID: 19940839). This variant is present in population databases (rs777295562, gnomAD 0.0009%). This premature translational stop signal has been observed in individual(s) with autosomal recessive polycystic kidney disease (PMID: 11919560). In at least one individual the data is consistent with being in trans (on the opposite chromosome) from a pathogenic variant. This variant is also known as 1624del4. ClinVar contains an entry for this variant (Variation ID: 1073873). Algorithms developed to predict the effect of sequence changes on RNA splicing suggest that this variant may disrupt the consensus splice site. For these reasons, this variant has been classified as Pathogenic.

Fulgent Genetics
Classification: Pathogenic for Polycystic kidney disease 4. Last evaluated: 2024-04-25. Review status: criteria provided, single submitter. Criteria: ACMG Guidelines, 2015. Collection method: clinical testing. Allele origin: germline.

Baylor Genetics
Classification: Pathogenic for Polycystic kidney disease 4. Last evaluated: 2023-10-30. Review status: criteria provided, single submitter. Criteria: ACMG Guidelines, 2015. Collection method: clinical testing. Allele origin: unknown.

Blueprint Genetics
Classification: Pathogenic for PKHD1-related disorders. Last evaluated: 2023-10-10. Review status: criteria provided, single submitter. Criteria: ACMG Guidelines, 2015. Collection method: clinical testing. Allele origin: germline. Affected: yes. Observed: 1 variant allele.

Women's Health and Genetics/Laboratory Corporation of America, LabCorp
Classification: Pathogenic for Autosomal recessive polycystic kidney disease. Last evaluated: 2022-07-05. Review status: criteria provided, single submitter. Criteria: LabCorp Variant Classification Summary - May 2015. Collection method: clinical testing. Allele origin: germline.
Comment: Variant summary: PKHD1 c.1626_1629delACTT (p.Leu543GlnfsX2) results in a premature termination codon, predicted to cause a truncation of the encoded protein or absence of the protein due to nonsense mediated decay, which are commonly known mechanisms for disease.This variant is also known as 1624del4. Truncations downstream of this position have been classified as pathogenic by our laboratory. The variant allele was found at a frequency of 4e-06 in 250886 control chromosomes (gnomAD). c.1626_1629delACTT has been reported in the literature in multiple compound heterozygous individuals affected with Polycystic Kidney And Hepatic Disease (examples: Gunay-Aygun_2010 and Ward_2002). These data indicate that the variant is likely to be associated with disease. To our knowledge, no experimental evidence demonstrating an impact on protein function has been reported. Two clinical diagnostic laboratories have submitted clinical-significance assessments for this variant to ClinVar after 2014 and all classified the variant as pathogenic. Based on the evidence outlined above, the variant was classified as pathogenic.

Literature cited by the submitters: PubMed 19914852 (cited by Natera, Inc. and Women's Health and Genetics/Laboratory Corporation of America, LabCorp); PubMed 19940839 (cited by Labcorp Genetics (formerly Invitae), Labcorp); PubMed 11919560 (cited by Labcorp Genetics (formerly Invitae), Labcorp and Women's Health and Genetics/Laboratory Corporation of America, LabCorp); PubMed 15108277 (cited by Women's Health and Genetics/Laboratory Corporation of America, LabCorp); PubMed 16523049 (cited by Women's Health and Genetics/Laboratory Corporation of America, LabCorp).

NM_138694.4(PKHD1):c.1626_1629del (p.Leu543fs)

Gene: PKHD1 (PKHD1 ciliary IPT domain containing fibrocystin/polyductin; minus strand). Cytogenetic location: 6p12.2.
Variant type: Deletion.
Coding change: c.1626_1629del on transcript NM_138694.4 (MANE Select); coding-DNA positions 1626 to 1629, 4 bases deleted (ACTT; older notation c.1626_1629delACTT).
Protein change: p.Leu543fs; shifts the reading frame from leucine 543.
Molecular consequence: frameshift variant.
Genome position (GRCh38, 1-based): chr6:52,056,762-52,056,765, AAGT deleted on the plus strand (ACTT on the coding strand, the reverse complement: PKHD1 is on the minus strand); deleting any 4 consecutive bases within chr6:52,056,762-52,056,767 gives the same sequence; the c. name uses the placement nearest the transcript's 3' end. VCF-style (leftmost placement, unchanged base first): chr6-52056761-CAAGT-C. GRCh37 (hg19) VCF-style: chr6-51921559-CAAGT-C.
Other names: c.1626_1629delACTT (NM_138694.3); c.1626_1629del, p.Leu543fs (NM_170724.3); short protein forms L543fs.
Identifiers: ClinVar variation 1073873 (VCV001073873.17), dbSNP rs777295562, ClinGen allele CA3853495.